The following is an entry in ClinVar:

ClinVar aggregate classification (germline): Uncertain significance. Review status: criteria provided, multiple submitters, no conflicts (2 of 4 stars). 2 submissions from 2 submitters: Uncertain significance (2). Last evaluated 2022-12-06.

Conditions:
Inborn genetic diseases. Identifiers: MedGen C0950123, MeSH D030342.
Combined immunodeficiency due to LRBA deficiency. Also called: Common variable immunodeficiency 8, with autoimmunity. Identifiers: Orphanet 445018, MedGen C3553512, MONDO:0013863, OMIM 614700.

Allele frequency attached by ClinVar (database versions not stated): gnomAD exomes 0.00003; ExAC 0.00004; ESP Exome Variant Server 0.00008; TOPMed 0.00012; gnomAD 0.00014 and 0.00015.

Submissions (2):

Labcorp Genetics (formerly Invitae), Labcorp
Classification: Uncertain significance for Combined immunodeficiency due to LRBA deficiency. Last evaluated: 2022-12-06. Review status: criteria provided, single submitter. Criteria: Invitae Variant Classification Sherloc (09022015). Collection method: clinical testing. Allele origin: germline.
Comment: Advanced modeling of protein sequence and biophysical properties (such as structural, functional, and spatial information, amino acid conservation, physicochemical variation, residue mobility, and thermodynamic stability) performed at Invitae indicates that this missense variant is not expected to disrupt LRBA protein function. In summary, the available evidence is currently insufficient to determine the role of this variant in disease. Therefore, it has been classified as a Variant of Uncertain Significance. ClinVar contains an entry for this variant (Variation ID: 1050951). This variant has not been reported in the literature in individuals affected with LRBA-related conditions. This variant is present in population databases (rs138518902, gnomAD 0.05%). This sequence change replaces aspartic acid, which is acidic and polar, with glutamic acid, which is acidic and polar, at codon 2293 of the LRBA protein (p.Asp2293Glu).

Ambry Genetics
Classification: Uncertain significance for Inborn genetic diseases. Last evaluated: 2021-10-14. Review status: criteria provided, single submitter. Criteria: Ambry Variant Classification Scheme 2023. Collection method: clinical testing. Allele origin: germline.

NM_001364905.1(LRBA):c.6846T>A (p.Asp2282Glu)

Gene: LRBA (LPS responsive beige-like anchor protein; minus strand). Cytogenetic location: 4q31.3.
Variant type: single nucleotide variant.
Coding change: c.6846T>A on transcript NM_001364905.1 (MANE Select); coding-DNA position 6846, T replaced by A.
Protein change: p.Asp2282Glu; replaces aspartic acid 2282 with glutamic acid.
Molecular consequence: missense variant.
Genome position (GRCh38, 1-based): chr4:150,436,799, A>T on the plus strand (T>A on the coding strand, the complement: LRBA is on the minus strand). VCF-style: chr4-150436799-A-T. GRCh37 (hg19) VCF-style: chr4-151357951-A-T.
Other names: c.6846T>A, p.Asp2282Glu (NM_001199282.3, NM_001367550.1); c.6879T>A, p.Asp2293Glu (NM_006726.5); short protein forms D2282E, D2293E.
Identifiers: ClinVar variation 1050951 (VCV001050951.8), dbSNP rs138518902, ClinGen allele CA3101798.